The following is an entry in ClinVar:

NM_000132.4(F8):c.6908A>G (p.Gln2303Arg)

Gene: F8 (coagulation factor VIII; minus strand). Cytogenetic location: Xq28.
Variant type: single nucleotide variant.
Coding change: c.6908A>G on transcript NM_000132.4 (MANE Select); coding-DNA position 6908, A replaced by G.
Protein change: p.Gln2303Arg; replaces glutamine 2303 with arginine.
Molecular consequence: missense variant.
Genome position (GRCh38, 1-based): chrX:154,837,745, T>C on the plus strand (A>G on the coding strand, the complement: F8 is on the minus strand). VCF-style: chrX-154837745-T-C. GRCh37 (hg19) VCF-style: chrX-154066020-T-C.
Other names: c.503A>G, p.Gln168Arg (NM_019863.3); short protein forms Q168R, Q2303R.
Identifiers: ClinVar variation 4535570 (VCV004535570.1).

ClinVar aggregate classification (germline): Uncertain significance (1 of 4 stars; one submission).

Submission:

Women's Health and Genetics/Laboratory Corporation of America, LabCorp
Classification: Uncertain significance. Last evaluated: 2025-09-12. Review status: criteria provided, single submitter. Criteria: LabCorp Variant Classification Summary - May 2015. Collection method: clinical testing. Allele origin: germline.
Comment: Variant summary: F8 c.6908A>G (p.Gln2303Arg) results in a conservative amino acid change in the encoded protein sequence. Algorithms developed to predict the effect of missense changes on protein structure and function are either unavailable or do not agree on the potential impact of this missense change. The variant was absent in 182744 control chromosomes. The available data on variant occurrences in the general population are insufficient to allow any conclusion about variant significance. c.6908A>G has been observed in individual(s) affected with Factor VIII Deficiency (Hemophilia A) (Markoff_2009). These report(s) do not provide unequivocal conclusions about association of the variant with Factor VIII Deficiency (Hemophilia A). To our knowledge, no experimental evidence demonstrating an impact on protein function has been reported. The following publications have been ascertained in the context of this evaluation (PMID: 19473423, 21614407). No submitters have cited clinical-significance assessments for this variant to ClinVar. Based on the evidence outlined above, the variant was classified as uncertain significance.

Literature cited by the submitters: PubMed 19473423; PubMed 21614407.